The following is an entry in ClinVar:

NM_032119.4(ADGRV1):c.9054T>G (p.Phe3018Leu)

Gene: ADGRV1 (adhesion G protein-coupled receptor V1; plus strand). Cytogenetic location: 5q14.3.
Variant type: single nucleotide variant.
Coding change: c.9054T>G on transcript NM_032119.4 (MANE Select); coding-DNA position 9054, T replaced by G.
Protein change: p.Phe3018Leu; replaces phenylalanine 3018 with leucine.
Molecular consequence: missense variant. On other transcripts: non-coding transcript variant (1).
Genome position (GRCh38, 1-based): chr5:90,712,298, T>G. VCF-style: chr5-90712298-T-G. GRCh37 (hg19) VCF-style: chr5-90008115-T-G.
Other names: short protein forms F3018L.
Identifiers: ClinVar variation 517600 (VCV000517600.17), dbSNP rs186975400, ClinGen allele CA3340437.

ClinVar aggregate classification (germline): Conflicting classifications of pathogenicity. Review status: criteria provided, conflicting classifications (1 of 4 stars). 5 submissions from 5 submitters: Uncertain significance (3); Benign (1); Likely benign (1). Last evaluated 2025-12-23.

Allele frequency attached by ClinVar (database versions not stated): gnomAD exomes 0.00009 and 0.00004; 1000 Genomes Project 30x 0.00016; gnomAD 0.00019 and 0.00021; 1000 Genomes Project 0.00020; ExAC 0.00009; ESP Exome Variant Server 0.00009; TOPMed 0.00020.
gnomAD v4.1: 86 of 1,533,716 alleles (0.0056%); highest among the groups gnomAD compares: African/African-American, 0.098%; no homozygotes.

Submissions (5):

Labcorp Genetics (formerly Invitae), Labcorp
Classification: Benign. Last evaluated: 2025-12-23. Review status: criteria provided, single submitter. Criteria: Invitae Variant Classification Sherloc (09022015). Collection method: clinical testing. Allele origin: germline.

Dasa
Classification: Uncertain significance. Last evaluated: 2025-08-26. Review status: criteria provided, single submitter. Criteria: DASA Assertion Criteria. Collection method: clinical testing. Allele origin: germline.
Comment: NM_032119.4(ADGRV1):c.9054T>G (p.Phe3018Leu) is a missense variant that results in the substitution of phenylalanine with leucine. This variant is rare in population databases. The currently available literature and clinical evidence are not sufficient to establish a definitive association between this variant and the reported condition. Therefore, this variant is classified as a variant of uncertain significance.

Blueprint Genetics
Classification: Likely benign. Last evaluated: 2024-07-22. Review status: criteria provided, single submitter. Criteria: ACMG Guidelines, 2015. Collection method: clinical testing. Allele origin: germline.

GeneDx
Classification: Uncertain significance. Last evaluated: 2024-06-17. Review status: criteria provided, single submitter. Criteria: GeneDx Variant Classification Process June 2021. Collection method: clinical testing. Allele origin: germline. Affected: yes.
Comment: In silico analysis supports that this missense variant has a deleterious effect on protein structure/function; Has not been previously published as pathogenic or benign to our knowledge

Laboratory for Molecular Medicine, Mass General Brigham Personalized Medicine
Classification: Uncertain significance. Last evaluated: 2017-09-28. Review status: criteria provided, single submitter. Criteria: LMM Criteria. Collection method: clinical testing. Allele origin: germline. Observed: 1 variant allele.
Comment: The p.Phe3018Leu variant in ADGRV1 has not been previously reported in individua ls with hearing loss or Usher syndrome, but has been identified in 0.1% (16/1770 6) of African chromosomes by the Genome Aggregation Database (gnomAD; dbSNP rs186975400). Although this variant has been seen in the general population, its frequency is not high enough to rule out a pathog enic role. Computational prediction tools and conservation analysis do not provi de strong support for or against an impact to the protein. In summary, the clini cal significance of the p.Phe3018Leu variant is uncertain. ACMG/AMP Criteria app lied: none (Richards 2015).